The following is an entry in ClinVar:

ClinVar aggregate classification (germline): Uncertain significance. Review status: criteria provided, multiple submitters, no conflicts (2 of 4 stars). 2 submissions from 2 submitters: Uncertain significance (2). Last evaluated 2025-09-01.

Conditions:
Inborn genetic diseases. Identifiers: MedGen C0950123, MeSH D030342.

gnomAD v4.1: 21 of 1,613,658 alleles (0.0013%); highest among the groups gnomAD compares: South Asian, 0.016%; no homozygotes.

Submissions (2):

Ambry Genetics
Classification: Uncertain significance for Inborn genetic diseases. Last evaluated: 2025-09-01. Review status: criteria provided, single submitter. Criteria: Ambry Variant Classification Scheme 2023. Collection method: clinical testing. Allele origin: germline.

Labcorp Genetics (formerly Invitae), Labcorp
Classification: Uncertain significance. Last evaluated: 2024-04-24. Review status: criteria provided, single submitter. Criteria: Invitae Variant Classification Sherloc (09022015). Collection method: clinical testing. Allele origin: germline.
Comment: This sequence change replaces lysine, which is basic and polar, with arginine, which is basic and polar, at codon 556 of the NAA15 protein (p.Lys556Arg). This variant is present in population databases (rs756038006, gnomAD 0.003%). This variant has not been reported in the literature in individuals affected with NAA15-related conditions. An algorithm developed to predict the effect of missense changes on protein structure and function (PolyPhen-2) suggests that this variant is likely to be tolerated. Algorithms developed to predict the effect of sequence changes on RNA splicing suggest that this variant may create or strengthen a splice site. In summary, the available evidence is currently insufficient to determine the role of this variant in disease. Therefore, it has been classified as a Variant of Uncertain Significance.

NM_057175.5(NAA15):c.1667A>G (p.Lys556Arg)

Gene: NAA15 (N-alpha-acetyltransferase 15, NatA auxiliary subunit; plus strand). Cytogenetic location: 4q31.1.
Variant type: single nucleotide variant.
Coding change: c.1667A>G on transcript NM_057175.5 (MANE Select); coding-DNA position 1667, A replaced by G.
Protein change: p.Lys556Arg; replaces lysine 556 with arginine.
Molecular consequence: missense variant.
Genome position (GRCh38, 1-based): chr4:139,361,851, A>G. VCF-style: chr4-139361851-A-G. GRCh37 (hg19) VCF-style: chr4-140283005-A-G.
Other names: c.1667A>G, p.Lys556Arg (NM_001410842.1); c.1667A>G (NM_057175.3); short protein forms K556R.
Identifiers: ClinVar variation 3695285 (VCV003695285.3).
Genomic context (GRCh38, chr4:139,361,851, plus strand): 5'-GATCATATGTGGACTTATTAAAACTAGAAGATGTACTTCGACAGCATCCATTTTACTTCA[A>G]GGCAGCAAGAATTGCTATAGAGATCTATTTGAAGCTTCATGACAACCCCCTTACAGATGA-3'
Protein context (NP_476516.1, residues 546-566): DVLRQHPFYF[Lys556Arg]AARIAIEIYL